The following is an entry in ClinVar:

ClinVar aggregate classification (germline): Pathogenic/Likely pathogenic. Review status: criteria provided, multiple submitters, no conflicts (2 of 4 stars). 3 submissions from 3 submitters: Pathogenic (2); Likely pathogenic (1). Last evaluated 2025-12-28.

Conditions:
3-Methylglutaconic aciduria type 2 (BTHS). Also called: CARDIOSKELETAL MYOPATHY WITH NEUTROPENIA AND ABNORMAL MITOCHONDRIA; Barth syndrome. Identifiers: Orphanet 111, MedGen C0574083, MONDO:0010543, OMIM 302060.

Submissions (3):

Labcorp Genetics (formerly Invitae), Labcorp
Classification: Pathogenic for 3-Methylglutaconic aciduria type 2. Last evaluated: 2025-12-28. Review status: criteria provided, single submitter. Criteria: Invitae Variant Classification Sherloc (09022015). Collection method: clinical testing. Allele origin: germline.
Comment: This sequence change replaces arginine, which is basic and polar, with cysteine, which is neutral and slightly polar, at codon 94 of the TAZ protein (p.Arg94Cys). This variant is not present in population databases (gnomAD no frequency). This missense change has been observed in individual(s) with Barth syndrome (PMID: 9345098, 24342716, 26845103, 28123175). ClinVar contains an entry for this variant (Variation ID: 202092). An algorithm developed to predict the effect of missense changes on protein structure and function (PolyPhen-2) suggests that this variant is likely to be disruptive. This variant disrupts the p.Arg94 amino acid residue in TAZ. Other variant(s) that disrupt this residue have been determined to be pathogenic (internal data). This suggests that this residue is clinically significant, and that variants that disrupt this residue are likely to be disease-causing. For these reasons, this variant has been classified as Pathogenic.

Molecular Diagnostics Lab, Nemours Children's Health, Delaware
Classification: Likely pathogenic for 3-Methylglutaconic aciduria type 2. Last evaluated: 2020-07-08. Review status: criteria provided, single submitter. Criteria: ACMG Guidelines, 2015. Collection method: clinical testing. Allele origin: maternal, unknown. Inheritance: X-linked inheritance. Affected: yes and no. Observed: 2 heterozygotes, 2 hemizygotes. Clinical features observed: Primary dilated cardiomyopathy (HP:0001644), Decreased total neutrophil count (HP:0001875).

GeneDx
Classification: Pathogenic. Last evaluated: 2014-01-06. Review status: criteria provided, single submitter. Criteria: GeneDx Variant Classification (06012015). Collection method: clinical testing. Allele origin: germline. Affected: yes.
Comment: The Arg94Cys mutation in the TAZ gene has been reported previously in association with Barth syndrome and was not seen in 50 control X chromosomes (Johnston J et al., 1997). The Arg94Cys mutation was not observed in approximately 5,400 individuals of European and African American ancestry in the NHLBI Exome Sequencing Project, indicating it is not a common benign variant in these populations. The Arg94Cys mutation is a non-conservative amino acid substitution as these residues differ in polarity, charge, size and/or other properties and is more likely to impact secondary structure. The Arg94 residue is highly conserved across species. In silico analysis predicts that Arg94Cys is probably damaging to the protein function/structure. Mutations in the same residue (Arg94Gly, Arg94Ser, Arg94His) have been reported in association with Barth syndrome further supporting the functional importance of this region of the protein. Mutations in the TAZ gene are primarily associated with Barth Syndrome, an X-linked recessive disorder characterized by growth retardation, skeletal myopathy and cardiomyopathy, intermittent lactic academia, neutropenia, and recurrent infection in childhood (Johnston J et al., 1997). TAZ mutations have also been reported in families with X-linked recessive isolated left ventricular non-compaction, and and showed that there was no correlation between either type or position of mutation with cardiac phenotype or severity (Chen R et al., 2002). The variant is found in TAZ panel(s).

Literature cited by the submitters: PubMed 9345098 (cited by Labcorp Genetics (formerly Invitae), Labcorp and Molecular Diagnostics Lab, Nemours Children's Health, Delaware); PubMed 24342716 (cited by Labcorp Genetics (formerly Invitae), Labcorp); PubMed 26845103 (cited by Labcorp Genetics (formerly Invitae), Labcorp); PubMed 28123175 (cited by Labcorp Genetics (formerly Invitae), Labcorp and Molecular Diagnostics Lab, Nemours Children's Health, Delaware).

NM_000116.5(TAFAZZIN):c.280C>T (p.Arg94Cys)

Gene: TAFAZZIN (tafazzin, phospholipid-lysophospholipid transacylase; plus strand). Cytogenetic location: Xq28.
Variant type: single nucleotide variant.
Coding change: c.280C>T on transcript NM_000116.5 (MANE Select); coding-DNA position 280, C replaced by T.
Protein change: p.Arg94Cys; replaces arginine 94 with cysteine.
Molecular consequence: missense variant. On other transcripts: non-coding transcript variant (1).
Genome position (GRCh38, 1-based): chrX:154,413,248, C>T. VCF-style: chrX-154413248-C-T. GRCh37 (hg19) VCF-style: chrX-153641585-C-T.
Other names: p.R94C:CGT>TGT; c.334C>T, p.Arg112Cys (NM_001303465.2); c.280C>T, p.Arg94Cys (NM_181311.4, NM_181312.4, NM_181313.4); short protein forms R94C, R112C.
Identifiers: ClinVar variation 202092 (VCV000202092.7), dbSNP rs104894942, ClinGen allele CA308799.
Genomic context (GRCh38, chrX:154,413,248, plus strand): 5'-AGCCTTTCCTGTCCTCTAGGGATCCTGAAACTCCGCCACATCTGGAACCTGAAGTTGATG[C>T]GTTGGTGAGGAGGAATGGGCCCCTCGAAGTGGGCCGGGCCGGCCCCACCTGCCTCTGCCC-3'
Protein context (NP_000107.1, residues 84-104): LRHIWNLKLM[Arg94Cys]WTPAAADICF